The following is an entry in ClinVar:

ClinVar aggregate classification (germline): Uncertain significance (1 of 4 stars; one submission).

Submission:

CeGaT Center for Human Genetics Tuebingen
Classification: Uncertain significance. Last evaluated: 2026-05-01. Review status: criteria provided, single submitter. Criteria: CeGaT Center For Human Genetics Tuebingen Variant Classification Criteria Version 2. Collection method: clinical testing. Allele origin: germline. Affected: yes. Observed: 1 variant allele.
Comment: STAT4: PM2, PP3

NM_003151.4(STAT4):c.1021A>C (p.Thr341Pro)

Gene: STAT4 (signal transducer and activator of transcription 4; minus strand). Cytogenetic location: 2q32.2.
Variant type: single nucleotide variant.
Coding change: c.1021A>C on transcript NM_003151.4 (MANE Select); coding-DNA position 1021, A replaced by C.
Protein change: p.Thr341Pro; replaces threonine 341 with proline.
Molecular consequence: missense variant.
Genome position (GRCh38, 1-based): chr2:191,061,742, T>G on the plus strand (A>C on the coding strand, the complement: STAT4 is on the minus strand). VCF-style: chr2-191061742-T-G. GRCh37 (hg19) VCF-style: chr2-191926468-T-G.
Other names: c.1021A>C, p.Thr341Pro (NM_001243835.2); short protein forms T341P.
Identifiers: ClinVar variation 4874937 (VCV004874937.2).
Genomic context (GRCh38, chr2:191,061,742, plus strand): 5'-CTATAGCTCCACAAACACACGAAATAGTAGAAAATGTTTTTGCCTACCTTAGTTTTACAG[T>G]GAACTGAATTAGGGTTTTAAGTACCAACGGCCTCTGAGGGTGGGTTGGCATACATGGCTG-3'
Protein context (NP_003142.1, residues 331-351): PLVLKTLIQF[Thr341Pro]VKLRLLIKLP